The following is an entry in ClinVar:

NM_000540.3(RYR1):c.12947_12958dup (p.Arg4316_Arg4319dup)

Gene: RYR1 (ryanodine receptor 1; plus strand). Cytogenetic location: 19q13.2.
Variant type: Duplication.
Coding change: c.12947_12958dup on transcript NM_000540.3 (MANE Select); coding-DNA positions 12947 to 12958, 12 bases duplicated (GCGTGCGGCGGC).
Protein change: p.Arg4316_Arg4319dup.
Molecular consequence: inframe insertion.
Genome position (GRCh38, 1-based): chr19:38,565,281-38,565,292, GCGTGCGGCGGC duplicated; duplicating any 12 consecutive bases within chr19:38,565,272-38,565,292 gives the same sequence; the c. name uses the placement nearest the transcript's 3' end. VCF-style (leftmost placement, unchanged base first): chr19-38565271-C-CTGCGGCGGCGCG. GRCh37 (hg19) VCF-style: chr19-39055911-C-CTGCGGCGGCGCG.
Other names: c.12947_12958dupGCGTGCGGCGGC (NM_000540.2); c.12932_12943dup, p.Arg4311_Arg4314dup (NM_001042723.2).
Identifiers: ClinVar variation 450482 (VCV000450482.12), dbSNP rs1455190973, ClinGen allele CA633066826.
Genomic context (GRCh38, chr19:38,565,271, plus strand): 5'-GCGACGGCGCGGGTTGTGGCGGCCGCAGGCCGGGCCCTGCGAGGCCTCAGCTACCGCAGC[C>CTGCGGCGGCGCG]TGCGGCGGCGCGTGCGGCGGCTGCGGCGGCTTACGGCCCGCGAGGCGGCCACCGCAGTGG-3'

ClinVar aggregate classification (germline): Uncertain significance. Review status: criteria provided, multiple submitters, no conflicts (2 of 4 stars). 3 submissions from 3 submitters: Uncertain significance (3). Last evaluated 2024-12-24.

Conditions:
RYR1-related disorder. Also called: RYR1-related condition; RYR1-related disorders. Identifiers: MedGen CN239331.

Submissions (3):

Revvity Omics, Revvity
Classification: Uncertain significance. Last evaluated: 2024-12-24. Review status: criteria provided, single submitter. Criteria: ACMG Guidelines, 2015. Collection method: clinical testing. Allele origin: germline.

Labcorp Genetics (formerly Invitae), Labcorp
Classification: Uncertain significance for RYR1-related disorder. Last evaluated: 2024-12-19. Review status: criteria provided, single submitter. Criteria: Invitae Variant Classification Sherloc (09022015). Collection method: clinical testing. Allele origin: germline.
Comment: This variant, c.12947_12958dup, results in the insertion of 4 amino acid(s) of the RYR1 protein (p.Arg4316_Arg4319dup), but otherwise preserves the integrity of the reading frame. This variant is present in population databases (no rsID available, gnomAD 0.06%). This variant has not been reported in the literature in individuals affected with RYR1-related conditions. ClinVar contains an entry for this variant (Variation ID: 450482). In summary, the available evidence is currently insufficient to determine the role of this variant in disease. Therefore, it has been classified as a Variant of Uncertain Significance.

GeneDx
Classification: Uncertain significance. Last evaluated: 2022-09-22. Review status: criteria provided, single submitter. Criteria: GeneDx Variant Classification Process June 2021. Collection method: clinical testing. Allele origin: germline. Affected: yes.
Comment: In-frame insertion of 4 amino acids in a non-repeat region; Not observed in large population cohorts (gnomAD); Has not been previously published as pathogenic or benign to our knowledge